The following is an entry in ClinVar:

ClinVar aggregate classification (germline): Pathogenic. Review status: criteria provided, multiple submitters, no conflicts (2 of 4 stars). 2 submissions from 2 submitters: Pathogenic (2). Last evaluated 2024-03-12.

Conditions:
Hereditary cancer-predisposing syndrome. Also called: Tumor predisposition; Neoplastic Syndromes, Hereditary; Hereditary Cancer Syndrome; Hereditary neoplastic syndrome. Identifiers: Orphanet 140162, MedGen C0027672, MeSH D009386, MONDO:0015356.
Ataxia-telangiectasia syndrome (AT). Also called: Cerebello-oculocutaneous telangiectasia; Immunodeficiency with ataxia telangiectasia; ATAXIA-TELANGIECTASIA, COMPLEMENTATION GROUP A; Ataxia-telangiectasia, complementation group D; AT, COMPLEMENTATION GROUP C; ATAXIA-TELANGIECTASIA, FRESNO VARIANT. Identifiers: Orphanet 100, MedGen C0004135, MONDO:0008840, OMIM 208900.

Submissions (2):

Labcorp Genetics (formerly Invitae), Labcorp
Classification: Pathogenic for Ataxia-telangiectasia syndrome. Last evaluated: 2024-03-12. Review status: criteria provided, single submitter. Criteria: Invitae Variant Classification Sherloc (09022015). Collection method: clinical testing. Allele origin: germline.
Comment: This sequence change creates a premature translational stop signal (p.Val1446Cysfs*2) in the ATM gene. It is expected to result in an absent or disrupted protein product. Loss-of-function variants in ATM are known to be pathogenic (PMID: 23807571, 25614872). This variant is not present in population databases (gnomAD no frequency). This variant has not been reported in the literature in individuals affected with ATM-related conditions. ClinVar contains an entry for this variant (Variation ID: 479058). For these reasons, this variant has been classified as Pathogenic.

Ambry Genetics
Classification: Pathogenic for Hereditary cancer-predisposing syndrome. Last evaluated: 2016-12-13. Review status: criteria provided, single submitter. Criteria: Ambry Variant Classification Scheme 2023. Collection method: clinical testing. Allele origin: germline.
Comment: The c.4335dupT pathogenic mutation, located in coding exon 28 of the ATM gene, results from a duplication of T at nucleotide position 4335, causing a translational frameshift with a predicted alternate stop codon (p.V1446Cfs*2). This alteration is expected to result in loss of function by premature protein truncation or nonsense-mediated mRNA decay. As such, this alteration is interpreted as a disease-causing mutation.

Literature cited by the submitters: PubMed 23807571 (cited by Labcorp Genetics (formerly Invitae), Labcorp); PubMed 25614872 (cited by Labcorp Genetics (formerly Invitae), Labcorp).

NM_000051.4(ATM):c.4335dup (p.Val1446fs)

Gene: ATM (ATM serine/threonine kinase; plus strand). Cytogenetic location: 11q22.3.
Variant type: Duplication.
Coding change: c.4335dup on transcript NM_000051.4 (MANE Select); coding-DNA position 4335, one base duplicated (T; older notation c.4335dupT).
Protein change: p.Val1446fs; shifts the reading frame from valine 1446.
Molecular consequence: frameshift variant.
Genome position (GRCh38, 1-based): chr11:108,289,700, T duplicated; the last of 3 consecutive T bases (chr11:108,289,698-108,289,700); duplicating any one gives the same sequence. VCF-style (leftmost placement, unchanged base first): chr11-108289697-G-GT. GRCh37 (hg19) VCF-style: chr11-108160424-G-GT.
Other names: c.4335dupT (NM_000051.3); c.4335dup, p.Val1446fs (NM_001351834.2); short protein forms V1446fs.
Identifiers: ClinVar variation 479058 (VCV000479058.7), dbSNP rs1555097571, ClinGen allele CA476673928.